The following is an entry in ClinVar:

NM_001077653.2(TBX20):c.654+2_654+9del

Gene: TBX20 (T-box transcription factor 20; minus strand). Cytogenetic location: 7p14.2.
Variant type: Deletion.
Coding change: c.654+2_654+9del on transcript NM_001077653.2 (MANE Select); the canonical splice donor site of the intron after coding-DNA position 654 through 9 bases into the intron after coding-DNA position 654, 8 bases deleted (TAAGTACC; older notation c.654+2_654+9delTAAGTACC).
Molecular consequence: splice donor variant.
Genome position (GRCh38, 1-based): chr7:35,244,940-35,244,947, GGTACTTA deleted on the plus strand (TAAGTACC on the coding strand, the reverse complement: TBX20 is on the minus strand). VCF-style (leftmost placement, unchanged base first): chr7-35244939-TGGTACTTA-T. GRCh37 (hg19) VCF-style: chr7-35284551-TGGTACTTA-T.
Other names: c.654+2_654+9del (NM_001166220.1).
Identifiers: ClinVar variation 1409929 (VCV001409929.6), dbSNP rs2128715250, ClinGen allele CA2573142081.

ClinVar aggregate classification (germline): Likely pathogenic (1 of 4 stars; one submission).

Submission:

Labcorp Genetics (formerly Invitae), Labcorp
Classification: Likely pathogenic. Last evaluated: 2024-01-24. Review status: criteria provided, single submitter. Criteria: Invitae Variant Classification Sherloc (09022015). Collection method: clinical testing. Allele origin: germline.
Comment: This sequence change affects a splice site in intron 4 of the TBX20 gene. It is expected to disrupt RNA splicing. Variants that disrupt the donor or acceptor splice site typically lead to a loss of protein function (PMID: 16199547), and loss-of-function variants in TBX20 are known to be pathogenic (PMID: 15901664, 25625280, 26118961, 27510170). This variant is not present in population databases (gnomAD no frequency). This variant has not been reported in the literature in individuals affected with TBX20-related conditions. ClinVar contains an entry for this variant (Variation ID: 1409929). Algorithms developed to predict the effect of sequence changes on RNA splicing suggest that this variant may disrupt the consensus splice site. In summary, the currently available evidence indicates that the variant is pathogenic, but additional data are needed to prove that conclusively. Therefore, this variant has been classified as Likely Pathogenic.

Literature cited by the submitters: PubMed 16199547; PubMed 15901664; PubMed 25625280; PubMed 26118961; PubMed 27510170.